The following is an entry in ClinVar:

ClinVar aggregate classification (germline): Conflicting classifications of pathogenicity. Review status: criteria provided, conflicting classifications (1 of 4 stars). 5 submissions from 3 submitters: Pathogenic (1); Uncertain significance (4). Last evaluated 2025-04-07.

Conditions:
Meckel-Gruber syndrome. Also called: Dysencephalia splachnocystica; GRUBER SYNDROME; DYSENCEPHALIA SPLANCHNOCYSTICA. Identifiers: Orphanet 564, MedGen C0265215, MONDO:0018921.
Joubert syndrome. Also called: JOUBERT-BOLTSHAUSER SYNDROME; Familial aplasia of the vermis; CEREBELLOPARENCHYMAL DISORDER IV. Identifiers: Orphanet 475, MedGen C5979921, MONDO:0018772.
Joubert syndrome 6 (JBTS6). Identifiers: Orphanet 475, MedGen C1853153, MONDO:0012539, OMIM 610688.
Meckel syndrome, type 3 (MKS3). Also called: MECKEL-GRUBER SYNDROME, TYPE 3. Identifiers: Orphanet 564, MedGen C1846357, MONDO:0011821, OMIM 607361.
Nephronophthisis 11 (NPHP11). Identifiers: Orphanet 84081, MedGen C3150796, MONDO:0013302, OMIM 613550.

Allele frequency attached by ClinVar (database versions not stated): gnomAD exomes 0.00004 and 0.00009; ExAC 0.00018; 1000 Genomes Project 30x 0.00031; 1000 Genomes Project 0.00040; TOPMed 0.00001; gnomAD 0.00003.
gnomAD v4.1: 63 of 1,567,706 alleles (0.004%); highest among the groups gnomAD compares: East Asian, 0.0068%; no homozygotes.

Submissions (5):

Labcorp Genetics (formerly Invitae), Labcorp
Classification: Pathogenic for Joubert syndrome; Meckel-Gruber syndrome. Last evaluated: 2025-04-07. Review status: criteria provided, single submitter. Criteria: Invitae Variant Classification Sherloc (09022015). Collection method: clinical testing. Allele origin: germline.
Comment: This sequence change replaces arginine, which is basic and polar, with histidine, which is basic and polar, at codon 975 of the TMEM67 protein (p.Arg975His). This variant is present in population databases (rs191759530, gnomAD 0.02%). This missense change has been observed in individual(s) with Joubert syndrome (PMID: 37910852). ClinVar contains an entry for this variant (Variation ID: 363927). Invitae Evidence Modeling of protein sequence and biophysical properties (such as structural, functional, and spatial information, amino acid conservation, physicochemical variation, residue mobility, and thermodynamic stability) indicates that this missense variant is expected to disrupt TMEM67 protein function with a positive predictive value of 95%. This variant disrupts the p.Arg975 amino acid residue in TMEM67. Other variant(s) that disrupt this residue have been determined to be pathogenic (PMID: 38374194). This suggests that this residue is clinically significant, and that variants that disrupt this residue are likely to be disease-causing. For these reasons, this variant has been classified as Pathogenic.

Genotek, Genotek Ltd.
Classification: Uncertain significance for Joubert syndrome 6. Last evaluated: 2022-09-22. Review status: criteria provided, single submitter. Criteria: ACMG Guidelines, 2015. Collection method: clinical testing. Allele origin: germline.

Illumina Laboratory Services, Illumina
Classification: Uncertain significance for Joubert syndrome 6. Last evaluated: 2018-01-13. Review status: criteria provided, single submitter. Criteria: ICSL Variant Classification Criteria 13 December 2019. Collection method: clinical testing. Allele origin: germline.

Illumina Laboratory Services, Illumina
Classification: Uncertain significance for Nephronophthisis 11. Last evaluated: 2018-01-13. Review status: criteria provided, single submitter. Criteria: ICSL Variant Classification Criteria 13 December 2019. Collection method: clinical testing. Allele origin: germline.

Illumina Laboratory Services, Illumina
Classification: Uncertain significance for Meckel syndrome, type 3. Last evaluated: 2018-01-13. Review status: criteria provided, single submitter. Criteria: ICSL Variant Classification Criteria 13 December 2019. Collection method: clinical testing. Allele origin: germline.

Literature cited by the submitters: PubMed 37910852 (cited by Labcorp Genetics (formerly Invitae), Labcorp); PubMed 38374194 (cited by Labcorp Genetics (formerly Invitae), Labcorp).

NM_153704.6(TMEM67):c.2924G>A (p.Arg975His)

Gene: TMEM67 (transmembrane protein 67; plus strand). Cytogenetic location: 8q22.1.
Variant type: single nucleotide variant.
Coding change: c.2924G>A on transcript NM_153704.6 (MANE Select); coding-DNA position 2924, G replaced by A.
Protein change: p.Arg975His; replaces arginine 975 with histidine.
Molecular consequence: missense variant. On other transcripts: non-coding transcript variant (1).
Genome position (GRCh38, 1-based): chr8:93,816,388, G>A. VCF-style: chr8-93816388-G-A. GRCh37 (hg19) VCF-style: chr8-94828616-G-A.
Other names: c.2681G>A, p.Arg894His (NM_001142301.1); short protein forms R894H, R975H.
Identifiers: ClinVar variation 363927 (VCV000363927.12), dbSNP rs191759530, ClinGen allele CA4808434.